The following is an entry in ClinVar:

NM_001104631.2(PDE4D):c.809-124C>A

Gene: PDE4D (phosphodiesterase 4D; minus strand). Cytogenetic location: 5q11.2.
Variant type: single nucleotide variant.
Coding change: c.809-124C>A on transcript NM_001104631.2 (MANE Select); 124 bases into the intron before coding-DNA position 809, C replaced by A.
Molecular consequence: intron variant. On other transcripts: 5 prime UTR variant (1), missense variant (1).
Genome position (GRCh38, 1-based): chr5:59,039,095, G>T on the plus strand (C>A on the coding strand, the complement: PDE4D is on the minus strand). VCF-style: chr5-59039095-G-T. GRCh37 (hg19) VCF-style: chr5-58334922-G-T.
Other names: c.13C>A (NM_001197222.1); c.-136C>A (NM_001197221.2); c.13C>A, p.Pro5Thr (NM_001197222.2); c.626-124C>A (NM_001364599.1, NM_001165899.2); c.41-124C>A (NM_001349243.2, NM_001364604.1); c.596-124C>A (NM_001349241.2); c.617-124C>A (NM_001197218.2); c.-98-124C>A (NM_001364603.1); and 4 more; short protein forms P5T.
Identifiers: ClinVar variation 445672 (VCV000445672.28), dbSNP rs16889108, ClinGen allele CA3276275.

ClinVar aggregate classification (germline): Benign/Likely benign. Review status: criteria provided, multiple submitters, no conflicts (2 of 4 stars). 4 submissions from 4 submitters: Benign (1); Likely benign (2). 1 of the submissions does not count toward it. Last evaluated 2022-08-01.

Conditions:
PDE4D-related disorder. Also called: PDE4D-related condition.

Allele frequency attached by ClinVar (database versions not stated): 1000 Genomes Project 30x 0.00406; 1000 Genomes Project 0.00419; TOPMed 0.00661; gnomAD 0.00860 and 0.00881; gnomAD exomes 0.00970 and 0.01070; ExAC 0.01587.
gnomAD v4.1: 14,993 of 1,453,192 alleles (1%); highest among the groups gnomAD compares: Non-Finnish European, 1.2%; 98 homozygotes.

Submissions (4):

CeGaT Center for Human Genetics Tuebingen
Classification: Benign. Last evaluated: 2022-08-01. Review status: criteria provided, single submitter. Criteria: CeGaT Center For Human Genetics Tuebingen Variant Classification Criteria Version 2. Collection method: clinical testing. Allele origin: germline. Affected: yes. Observed: 4 variant alleles.
Comment: PDE4D: BS1, BS2

Center for Pediatric Genomic Medicine, Children's Mercy Hospital and Clinics
Classification: Likely benign. Last evaluated: 2017-04-28. Review status: criteria provided, single submitter. Criteria: ACMG Guidelines, 2015. Collection method: clinical testing. Allele origin: germline.

Breakthrough Genomics
Classification: Likely benign. Review status: criteria provided, single submitter. Criteria: ACMG Guidelines, 2015. Collection method: not provided. Allele origin: germline. Inheritance: Autosomal dominant inheritance. Affected: yes.

PreventionGenetics, part of Exact Sciences
Classification: Benign for PDE4D-related condition. Last evaluated: 2019-06-13. Review status: no assertion criteria provided. Collection method: clinical testing. Allele origin: germline. Not counted in ClinVar's aggregate classification.
Comment: This variant is classified as benign based on ACMG/AMP sequence variant interpretation guidelines (Richards et al. 2015 PMID: 25741868, with internal and published modifications).